The following is an entry in ClinVar:

NM_001110556.2(FLNA):c.5929G>A (p.Glu1977Lys)

Gene: FLNA (filamin A; minus strand). Cytogenetic location: Xq28.
Variant type: single nucleotide variant.
Coding change: c.5929G>A on transcript NM_001110556.2 (MANE Select); coding-DNA position 5929, G replaced by A.
Protein change: p.Glu1977Lys; replaces glutamic acid 1977 with lysine.
Molecular consequence: missense variant.
Genome position (GRCh38, 1-based): chrX:154,353,389, C>T on the plus strand (G>A on the coding strand, the complement: FLNA is on the minus strand). VCF-style: chrX-154353389-C-T. GRCh37 (hg19) VCF-style: chrX-153581757-C-T.
Other names: c.5905G>A, p.Glu1969Lys (NM_001456.4); short protein forms E1969K, E1977K.
Identifiers: ClinVar variation 2947017 (VCV002947017.3), dbSNP rs2522724073, ClinGen allele CA415197817.

ClinVar aggregate classification (germline): Uncertain significance (1 of 4 stars; one submission).

Conditions:
Oto-palato-digital syndrome, type II (OPD2). Also called: FACIOPALATOOSSEOUS SYNDROME; OPD II SYNDROME; Otopalatodigital Syndrome, Type II; Otopalatodigital Syndrome Type 2 (FLNA-OPD2). Identifiers: Orphanet 669, Orphanet 90652, MedGen C1844696, MONDO:0010571, OMIM 304120.
Heterotopia, periventricular, X-linked dominant (PVNH1). Also called: PERIVENTRICULAR NODULAR HETEROTOPIA 1; X-linked periventricular heterotopia; PERIVENTRICULAR NODULAR HETEROTOPIA 4; HETEROTOPIA, PERIVENTRICULAR, 1. Identifiers: Orphanet 2149, Orphanet 82004, MedGen C1848213, MONDO:0010233, OMIM 300049.
Frontometaphyseal dysplasia (FMD1). Identifiers: Orphanet 1826, MedGen C0265293, MONDO:0015942.
Melnick-Needles syndrome (MNS). Also called: MELNICK-NEEDLES OSTEODYSPLASTY; OSTEODYSPLASTY OF MELNICK AND NEEDLES; Melnick-Needles Syndrome (FLNA-MNS). Identifiers: Orphanet 2484, MedGen C0025237, MONDO:0010650, OMIM 309350.

Submission:

Labcorp Genetics (formerly Invitae), Labcorp
Classification: Uncertain significance for Oto-palato-digital syndrome, type II; Heterotopia, periventricular, X-linked dominant; Frontometaphyseal dysplasia; Melnick-Needles syndrome. Last evaluated: 2023-04-22. Review status: criteria provided, single submitter. Criteria: Invitae Variant Classification Sherloc (09022015). Collection method: clinical testing. Allele origin: germline.
Comment: In summary, the available evidence is currently insufficient to determine the role of this variant in disease. Therefore, it has been classified as a Variant of Uncertain Significance. Advanced modeling of protein sequence and biophysical properties (such as structural, functional, and spatial information, amino acid conservation, physicochemical variation, residue mobility, and thermodynamic stability) performed at Invitae indicates that this missense variant is not expected to disrupt FLNA protein function. This variant has not been reported in the literature in individuals affected with FLNA-related conditions. This variant is not present in population databases (gnomAD no frequency). This sequence change replaces glutamic acid, which is acidic and polar, with lysine, which is basic and polar, at codon 1969 of the FLNA protein (p.Glu1969Lys).